The following is an entry in ClinVar:

ClinVar aggregate classification (germline): Pathogenic/Likely pathogenic. Review status: criteria provided, multiple submitters, no conflicts (2 of 4 stars). 7 submissions from 7 submitters: Pathogenic (6); Likely pathogenic (1). Last evaluated 2025-08-02.

Conditions:
PLA2G6-associated neurodegeneration (PLAN). Also called: phospholipase A2-associated neurodegeneration. Identifiers: Orphanet 329303, MedGen CN204472, MONDO:0017998.
Infantile neuroaxonal dystrophy (NBIA2A). Also called: SEITELBERGER DISEASE; NEURODEGENERATION WITH BRAIN IRON ACCUMULATION 2A; Infantile neuroaxonal dystrophy 1. Identifiers: Orphanet 35069, MedGen C0270724, MONDO:0024457, OMIM 256600.
Neurodegeneration with brain iron accumulation 2B. Also called: aNAD; atypical Neuroaxonal Dystrophy (aNAD); NEUROAXONAL DYSTROPHY, ATYPICAL; NEURODEGENERATION WITH BRAIN IRON ACCUMULATION, PLA2G6-RELATED. Identifiers: Orphanet 35069, MedGen C1857747, MONDO:0012444, OMIM 610217.
Autosomal recessive Parkinson disease 14. Also called: DYSTONIA-PARKINSONISM, ADULT-ONSET; PARKINSON DISEASE 14. Identifiers: Orphanet 199351, MedGen C2751842, MONDO:0013060, OMIM 612953.
Neurodegeneration with brain iron accumulation (NBIA). Identifiers: Orphanet 385, MedGen C2931845, MONDO:0018307.

Allele frequency attached by ClinVar (database versions not stated): gnomAD 0.00004; ExAC 0.00006; gnomAD exomes 0.00001; TOPMed 0.00003; 1000 Genomes Project 0.00020; 1000 Genomes Project 30x 0.00031.
gnomAD v4.1: 66 of 1,552,888 alleles (0.0043%); highest among the groups gnomAD compares: Admixed American, 0.012%; no homozygotes.

Submissions (8):

Labcorp Genetics (formerly Invitae), Labcorp
Classification: Pathogenic for Infantile neuroaxonal dystrophy. Last evaluated: 2025-08-02. Review status: criteria provided, single submitter. Criteria: Invitae Variant Classification Sherloc (09022015). Collection method: clinical testing. Allele origin: germline.
Comment: This sequence change replaces arginine, which is basic and polar, with tryptophan, which is neutral and slightly polar, at codon 741 of the PLA2G6 protein (p.Arg741Trp). The frequency data for this variant in the population databases is considered unreliable, as metrics indicate poor data quality at this position in the gnomAD database. This missense change has been observed in individuals with clinical features of infantile neuroaxonal dystrophy (PMID: 16783378, 25164370, 31516627). ClinVar contains an entry for this variant (Variation ID: 265448). Invitae Evidence Modeling of protein sequence and biophysical properties (such as structural, functional, and spatial information, amino acid conservation, physicochemical variation, residue mobility, and thermodynamic stability) indicates that this missense variant is not expected to disrupt PLA2G6 protein function with a negative predictive value of 80%. Experimental studies have shown that this missense change affects PLA2G6 function (PMID: 20886109). This variant disrupts the p.Arg741 amino acid residue in PLA2G6. Other variant(s) that disrupt this residue have been determined to be pathogenic (PMID: 18570303, 20669327, 26196026, 26668131, 27268037). This suggests that this residue is clinically significant, and that variants that disrupt this residue are likely to be disease-causing. For these reasons, this variant has been classified as Pathogenic.

GeneDx
Classification: Pathogenic. Last evaluated: 2025-07-19. Review status: criteria provided, single submitter. Criteria: GeneDx Variant Classification Process June 2021. Collection method: clinical testing. Allele origin: germline. Affected: yes.
Comment: Published functional studies found this variant is associated with 25% activity in an in vitro phospholipase assay and 10% activity in a lysophospholipase assay, supporting a damaging effect (PMID: 20886109); Not observed at significant frequency in large population cohorts (gnomAD); In silico analysis supports that this missense variant has a deleterious effect on protein structure/function; This variant is associated with the following publications: (PMID: 34365112, 31589614, 30340910, 25164370, 31516627, 36233161, 20886109, 16783378)

Broad Center for Mendelian Genomics, Broad Institute of MIT and Harvard
Classification: Likely pathogenic for PLA2G6-associated neurodegeneration. Last evaluated: 2023-01-24. Review status: criteria provided, single submitter. Criteria: ACMG Guidelines, 2015. Collection method: curation. Allele origin: germline. Inheritance: Autosomal recessive inheritance.
Comment: The p.Arg741Trp variant in PLA2G6 has been reported in at least 10 individuals with PLA2G6-associated neurodegeneration (PMID: 16783378, 26668131, 31516627, 30340910, 32860008, 35122944, 25164370, 27196560, 30713958), segregated with disease in 1 affected relative from 1 family (PMID: 30713958), and has been identified in 0.004% (1/25224) of Latino/Admixed American chromosomes by the Genome Aggregation Database (gnomAD; dbSNP ID: rs530348521). Although this variant has been seen in the general population in a heterozygous state, its frequency is low enough to be consistent with a recessive carrier frequency. This variant has also been reported in ClinVar (Variation ID#: 265448) and has been interpreted as pathogenic by GeneDx and Rady Children's Institute for Genomic Medicine (Rady Children's Hospital San Diego). Of the 10 affected individuals, 2 of those were homozygotes, which increases the likelihood that the p.Arg741Trp variant is pathogenic (PMID: 25164370, 27196560, 30713958). In vitro functional studies provide some evidence that the p.Arg741Trp variant may impact protein function (PMID: 20886109, 26668131, 35122944). However, these types of assays may not accurately represent biological function. Computational prediction tools and conservation analyses suggest that this variant may impact the protein, though this information is not predictive enough to determine pathogenicity. In summary, although additional studies are required to fully establish its clinical significance, this variant is likely pathogenic for autosomal recessive PLA2G6-associated neurodegeneration. ACMG/AMP Criteria applied: PM3, PS3_moderate, PP3, PM2_supporting (Richards 2015).

Women's Health and Genetics/Laboratory Corporation of America, LabCorp
Classification: Pathogenic for Neurodegeneration with brain iron accumulation. Last evaluated: 2022-08-02. Review status: criteria provided, single submitter. Criteria: LabCorp Variant Classification Summary - May 2015. Collection method: clinical testing. Allele origin: germline.
Comment: Variant summary: PLA2G6 c.2221C>T (p.Arg741Trp) results in a non-conservative amino acid change in the encoded protein sequence. Four of five in-silico tools predict a damaging effect of the variant on protein function. The variant allele was found at a frequency of 6.5e-06 in 154678 control chromosomes (gnomAD). c.2221C>T has been reported in the literature in homozygous and compound heterozygous individuals affected with infantile neuroaxonal dystrophy (INAD) (e.g. Morgan_2006, Romani_2015, Davids_2016, Darling_2019). These data indicate that the variant is very likely to be associated with disease. At least one publication reports experimental evidence evaluating an impact on protein function, and it found that the variant protein had 10-25% the activity of wild-type PLA2GA (Engel_2010). Three submitters have provided clinical-significance assessments for this variant to ClinVar after 2014 and all classified the variant as pathogenic. Based on the evidence outlined above, the variant was classified as pathogenic.

Fulgent Genetics
Classification: Pathogenic for Infantile neuroaxonal dystrophy; Neurodegeneration with brain iron accumulation 2B; Autosomal recessive Parkinson disease 14. Last evaluated: 2022-03-03. Review status: criteria provided, single submitter. Criteria: ACMG Guidelines, 2015. Collection method: clinical testing. Allele origin: unknown.

Victorian Clinical Genetics Services, Murdoch Childrens Research Institute
Classification: Pathogenic for Neurodegeneration with brain iron accumulation 2B. Last evaluated: 2020-05-21. Review status: criteria provided, single submitter. Criteria: ACMG Guidelines, 2015. Collection method: clinical testing. Allele origin: germline. Inheritance: Autosomal recessive inheritance. Affected: yes.
Comment: A heterozygous missense variant, NM_003560.2(PLA2G6):c.2221C>T, has been identified in exon 16 of 17 of the PLA2G6 gene. The variant is predicted to result in a major amino acid change from arginine to tryptophan at position 741 of the protein (NP_003551.2(PLA2G6):p.(Arg741Trp)). The arginine residue at this position has moderate conservation (100 vertebrates, UCSC), and it is located in a missense hotspot region (Paisan-Ruiz, C. et al. (2009)). In silico predictions for this variant are consistently pathogenic (Polyphen, SIFT, CADD, Mutation Taster). The variant is present in the gnomAD database at a frequency of 0.0006% (1 heterozygote, 0 homozygotes). The variant has been previously described as pathogenic in multiple patients with infantile neuroaxonal dystrophy (ClinVar, Morgan, NV. et al. (2006), Romani, M. et al. (2015), Kapoor, S. et al. (2016), Al-Maawali, A. et al. (2016), Davids, M. et al. (2016)). Additionally, functional studies have shown that p.R741W leads to an inactive enzyme due to its location at the dimerization interface and also the variant causes loss of enzyme activity (Engel, LA. et al. (2010), Malley, KR. et al. (2018)). A different variant in the same codon resulting in a change to glutamine has also been shown to cause infantile neuroaxonal dystrophy (ClinVar, Paisan-Ruiz, C. et al. (2009)). Based on the information available at the time of curation, this variant has been classified as PATHOGENIC.

Rady Children's Institute for Genomic Medicine, Rady Children's Hospital San Diego
Classification: Pathogenic for Dystrophy, Infantile Neuroaxonal. Last evaluated: 2018-09-24. Review status: criteria provided, single submitter. Criteria: ACMG Guidelines, 2015. Collection method: clinical testing. Allele origin: germline. Affected: yes. Observed: 1 variant allele.
Comment: This variant has been previously reported as a compound heterozygous or homozygous change inindividuals with Infantile Neuroaxonal Dystrophy (PMID: 20886109, 25164370, 16783378). In vitro enzyme assays demonstrated that the p.Arg741Trp amino acid substitution reduced PLA2G6 enzyme activity (PMID: 20886109). It is present in the heterozygous state in the gnomAD population database at a frequency of 0.0007% (1/148108), and thus is presumed to be rare. The c.2221C>T (p.Arg741Trp) variant affects a highly conserved amino acid and is predicted by multiple in silico tools to have a deleterious effect on protein function. Based on the available evidence, the c.2221C>T (p.Arg741Trp) variant is classified as Pathogenic.

Dr. Peter K. Rogan Lab, Western University
No classification provided (evidence only). Condition: Thyroid cancer, nonmedullary, 1. Review status: no classification provided. Collection method: in vitro. Allele origin: not applicable. Functional consequence: retained intron. Not counted in ClinVar's aggregate classification.

Literature cited by the submitters: PubMed 16783378 (cited by 3 submitters); PubMed 25164370 (cited by 3 submitters); PubMed 31516627 (cited by Labcorp Genetics (formerly Invitae), Labcorp); PubMed 20886109 (cited by 4 submitters); PubMed 18570303 (cited by Labcorp Genetics (formerly Invitae), Labcorp and Victorian Clinical Genetics Services, Murdoch Childrens Research Institute); PubMed 20669327 (cited by Labcorp Genetics (formerly Invitae), Labcorp); PubMed 26196026 (cited by Labcorp Genetics (formerly Invitae), Labcorp); PubMed 26668131 (cited by 4 submitters); PubMed 27268037 (cited by Labcorp Genetics (formerly Invitae), Labcorp); PubMed 35122944 (cited by Broad Center for Mendelian Genomics, Broad Institute of MIT and Harvard); PubMed 30340910 (cited by Women's Health and Genetics/Laboratory Corporation of America, LabCorp); PubMed 27196560 (cited by Victorian Clinical Genetics Services, Murdoch Childrens Research Institute); PubMed 27516098 (cited by Victorian Clinical Genetics Services, Murdoch Childrens Research Institute); PubMed 29472584 (cited by Victorian Clinical Genetics Services, Murdoch Childrens Research Institute).

NM_003560.4(PLA2G6):c.2221C>T (p.Arg741Trp)

Gene: PLA2G6 (phospholipase A2 group VI; minus strand). Cytogenetic location: 22q13.1.
Variant type: single nucleotide variant.
Coding change: c.2221C>T on transcript NM_003560.4 (MANE Select); coding-DNA position 2221, C replaced by T.
Protein change: p.Arg741Trp; replaces arginine 741 with tryptophan.
Molecular consequence: missense variant.
Genome position (GRCh38, 1-based): chr22:38,112,559, G>A on the plus strand (C>T on the coding strand, the complement: PLA2G6 is on the minus strand). VCF-style: chr22-38112559-G-A. GRCh37 (hg19) VCF-style: chr22-38508566-G-A.
Other names: NM_003560.4(PLA2G6):c.2221C>T; p.Arg741Trp; c.2059C>T, p.Arg687Trp (NM_001004426.3, NM_001199562.3, NM_001349865.2 and 1 more transcripts); c.2221C>T, p.Arg741Trp (NM_001349864.2); c.1687C>T, p.Arg563Trp (NM_001349867.2); c.1543C>T, p.Arg515Trp (NM_001349868.2); c.1525C>T, p.Arg509Trp (NM_001349869.2); short protein forms R741W, R509W, R515W, R687W, R563W.
Identifiers: ClinVar variation 265448 (VCV000265448.14), dbSNP rs530348521, ClinGen allele CA10230570.